The following is an entry in ClinVar:

ClinVar aggregate classification (germline): Benign. Review status: criteria provided, multiple submitters, no conflicts (2 of 4 stars). 3 submissions from 3 submitters: Benign (2). 1 of the submissions does not count toward it. Last evaluated 2019-12-31.

Conditions:
KIF26B-related disorder. Also called: KIF26B-related condition.

Allele frequency attached by ClinVar (database versions not stated): gnomAD exomes 0.00386 and 0.00424; 1000 Genomes Project 30x 0.00484; ESP Exome Variant Server 0.00505; 1000 Genomes Project 0.00559; gnomAD 0.00562 and 0.00627; TOPMed 0.00713; ExAC 0.00727.
gnomAD v4.1: 7,006 of 1,593,432 alleles (0.44%); highest among the groups gnomAD compares: African/African-American, 1.2%; 20 homozygotes.

Submissions (3):

Labcorp Genetics (formerly Invitae), Labcorp
Classification: Benign. Last evaluated: 2019-12-31. Review status: criteria provided, single submitter. Criteria: Invitae Variant Classification Sherloc (09022015). Collection method: clinical testing. Allele origin: germline.

Breakthrough Genomics
Classification: Benign. Review status: criteria provided, single submitter. Criteria: ACMG Guidelines, 2015. Collection method: not provided. Allele origin: germline. Inheritance: Unknown mechanism. Affected: yes.

PreventionGenetics, part of Exact Sciences
Classification: Benign for KIF26B-related condition. Last evaluated: 2019-02-27. Review status: no assertion criteria provided. Collection method: clinical testing. Allele origin: germline. Not counted in ClinVar's aggregate classification.
Comment: This variant is classified as benign based on ACMG/AMP sequence variant interpretation guidelines (Richards et al. 2015 PMID: 25741868, with internal and published modifications).

NM_018012.4(KIF26B):c.5163C>T (p.Ser1721=)

Gene: KIF26B (kinesin family member 26B; plus strand). Cytogenetic location: 1q44.
Variant type: single nucleotide variant.
Coding change: c.5163C>T on transcript NM_018012.4 (MANE Select); coding-DNA position 5163, C replaced by T.
Protein change: p.Ser1721=; no amino-acid change (serine 1721 retained).
Molecular consequence: synonymous variant.
Genome position (GRCh38, 1-based): chr1:245,688,146, C>T. VCF-style: chr1-245688146-C-T. GRCh37 (hg19) VCF-style: chr1-245851448-C-T.
Identifiers: ClinVar variation 777108 (VCV000777108.7), dbSNP rs80110579, ClinGen allele CA1488604.
Genomic context (GRCh38, chr1:245,688,146, plus strand): 5'-CACCATGCCCCGCGCGGGGAGGAGCCTGGGCCGCAGCGCCGGGACCTCGCCCCCCAGCTC[C>T]GGGGCCTCGCCCAAGGCCGGCCAGTCCAAGATCTCCGCCGTGAGCAGACTCCTCCTGGCC-3'
Protein context (NP_060482.2, residues 1711-1731): GRSAGTSPPS[Ser1721=]GASPKAGQSK